The following is an entry in ClinVar:

NM_032634.4(PIGO):c.974C>A (p.Pro325His)

Gene: PIGO (phosphatidylinositol glycan anchor biosynthesis class O; minus strand). Cytogenetic location: 9p13.3.
Variant type: single nucleotide variant.
Coding change: c.974C>A on transcript NM_032634.4 (MANE Select); coding-DNA position 974, C replaced by A.
Protein change: p.Pro325His; replaces proline 325 with histidine.
Molecular consequence: missense variant.
Genome position (GRCh38, 1-based): chr9:35,093,175, G>T on the plus strand (C>A on the coding strand, the complement: PIGO is on the minus strand). VCF-style: chr9-35093175-G-T. GRCh37 (hg19) VCF-style: chr9-35093172-G-T.
Other names: c.974C>A, p.Pro325His (NM_001201484.2, NM_152850.4); c.974C>A (NM_032634.3); short protein forms P325H.
Identifiers: ClinVar variation 2576032 (VCV002576032.2), dbSNP rs1364028691, ClinGen allele CA373323080.
Genomic context (GRCh38, chr9:35,093,175, plus strand): 5'-GCCATCACTTCCCCGATATTCCCAAATGGGATGGGCAGGCCCAGCAGCAGGGCCAGCGTG[G>T]GCACAAGGCTAACTTGAGGAATCACCTCTGGCTCCTAAAGGAAAATGACAGTGGTCAACA-3'
Protein context (NP_116023.2, residues 315-335): PEVIPQVSLV[Pro325His]TLALLLGLPI

ClinVar aggregate classification (germline): Uncertain significance. Review status: criteria provided, multiple submitters, no conflicts (2 of 4 stars). 2 submissions from 2 submitters: Uncertain significance (2). Last evaluated 2025-05-13.

Conditions:
Inborn genetic diseases. Identifiers: MedGen C0950123, MeSH D030342.

Allele frequency attached by ClinVar (database versions not stated): gnomAD exomes 0.00002.
gnomAD v4.1: 34 of 1,613,984 alleles (0.0021%); highest among the groups gnomAD compares: Non-Finnish European, 0.0025%; no homozygotes.

Submissions (2):

Ambry Genetics
Classification: Uncertain significance for Inborn genetic diseases. Last evaluated: 2025-05-13. Review status: criteria provided, single submitter. Criteria: Ambry Variant Classification Scheme 2023. Collection method: clinical testing. Allele origin: germline.

Institute for Clinical Genetics, University Hospital TU Dresden, University Hospital TU Dresden
Classification: Uncertain significance. Last evaluated: 2019-04-23. Review status: criteria provided, single submitter. Criteria: ACMG Guidelines, 2015. Collection method: clinical testing. Allele origin: paternal.
Comment: PP3, PM2_SUP